The following is an entry in ClinVar:

ClinVar aggregate classification (germline): Uncertain significance (1 of 4 stars; one submission).

Conditions:
Alpha-methylacyl-CoA racemase deficiency (AMACRD). Also called: AMACR deficiency. Identifiers: Orphanet 79095, MedGen C3280428, MONDO:0013681, OMIM 614307. Disease mechanism: loss of function.

Submission:

Labcorp Genetics (formerly Invitae), Labcorp
Classification: Uncertain significance for Alpha-methylacyl-CoA racemase deficiency. Last evaluated: 2022-10-14. Review status: criteria provided, single submitter. Criteria: Invitae Variant Classification Sherloc (09022015). Collection method: clinical testing. Allele origin: germline.
Comment: In summary, the available evidence is currently insufficient to determine the role of this variant in disease. Therefore, it has been classified as a Variant of Uncertain Significance. Algorithms developed to predict the effect of missense changes on protein structure and function are either unavailable or do not agree on the potential impact of this missense change (SIFT: "Not Available"; PolyPhen-2: "Probably Damaging"; Align-GVGD: "Not Available"). This variant has not been reported in the literature in individuals affected with AMACR-related conditions. Information on the frequency of this variant in the gnomAD database is not available, as this variant may be reported differently in the database. This sequence change replaces glycine, which is neutral and non-polar, with phenylalanine, which is neutral and non-polar, at codon 121 of the AMACR protein (p.Gly121Phe).

NM_014324.6(AMACR):c.361_362delinsTT (p.Gly121Phe)

Genes: AMACR (alpha-methylacyl-CoA racemase; minus strand), C1QTNF3-AMACR (C1QTNF3-AMACR readthrough (NMD candidate); minus strand). Cytogenetic location: 5p13.2.
Variant type: Indel.
Coding change: c.361_362delinsTT on transcript NM_014324.6 (MANE Select); coding-DNA positions 361 to 362, GG replaced by TT.
Protein change: p.Gly121Phe; replaces glycine 121 with phenylalanine.
Molecular consequence: missense variant. On other transcripts: non-coding transcript variant (1).
Genome position (GRCh38, 1-based): chr5:34,005,785-34,005,786, CC replaced by AA on the plus strand (GG replaced by TT on the coding strand, the reverse complement: AMACR is on the minus strand). VCF-style: chr5-34005785-CC-AA. GRCh37 (hg19) VCF-style: chr5-34005890-CC-AA.
Other names: c.361_362delinsTT, p.Gly121Phe (NM_001167595.2, NM_203382.3); short protein forms G121F.
Identifiers: ClinVar variation 1719347 (VCV001719347.5), dbSNP rs2479023214, ClinGen allele CA2580073173.